The following is an entry in ClinVar:

NM_020779.4(WDR35):c.549C>T (p.Tyr183=)

Gene: WDR35 (WD repeat domain 35; minus strand). Cytogenetic location: 2p24.1.
Variant type: single nucleotide variant.
Coding change: c.549C>T on transcript NM_020779.4 (MANE Select); coding-DNA position 549, C replaced by T.
Protein change: p.Tyr183=; no amino-acid change (tyrosine 183 retained).
Molecular consequence: synonymous variant.
Genome position (GRCh38, 1-based): chr2:19,975,551, G>A on the plus strand (C>T on the coding strand, the complement: WDR35 is on the minus strand). VCF-style: chr2-19975551-G-A. GRCh37 (hg19) VCF-style: chr2-20175312-G-A.
Other names: p.Tyr183=; c.549C>T, p.Tyr183= (NM_001006657.2).
Identifiers: ClinVar variation 333404 (VCV000333404.35), dbSNP rs34169020, ClinGen allele CA1543499.
Genomic context (GRCh38, chr2:19,975,551, plus strand): 5'-AAAATTGTATAAACAAGACTGATGCATACACTTACTTACCATAAAATTTCCTTGATTATC[G>A]TAAATGTGTATTTCCCCATTTGCCATTCCAAAAAGTAAGACTTTACTGTCCGCAGACCAT-3'
Protein context (NP_065830.2, residues 173-193): FGMANGEIHI[Tyr183=]DNQGNFMIKM

ClinVar aggregate classification (germline): Benign. Review status: criteria provided, multiple submitters, no conflicts (2 of 4 stars). 10 submissions from 9 submitters: Benign (8). 2 of the submissions do not count toward it. Last evaluated 2026-02-01.

Conditions:
Cranioectodermal dysplasia 2 (CED2). Identifiers: Orphanet 1515, MedGen C3150874, MONDO:0013323, OMIM 613610.
Short-rib thoracic dysplasia 7 with or without polydactyly (SRTD7). Also called: SHORT-RIB THORACIC DYSPLASIA 7 WITH POLYDACTYLY; Short rib polydactyly syndrome 5. Identifiers: Orphanet 498497, Orphanet 93271, MedGen C3279792, MONDO:0013569, OMIM 614091.

Allele frequency attached by ClinVar (database versions not stated): ESP Exome Variant Server 0.03245; gnomAD exomes 0.03540 and 0.04417; gnomAD 0.03645 and 0.03736; TOPMed 0.04281; ExAC 0.04641; 1000 Genomes Project 30x 0.05887; 1000 Genomes Project 0.06370.
gnomAD v4.1: 57,935 of 1,612,960 alleles (3.6%); highest among the groups gnomAD compares: East Asian, 23%; 2,051 homozygotes.

Submissions (10):

Labcorp Genetics (formerly Invitae), Labcorp
Classification: Benign for Cranioectodermal dysplasia 2; Short-rib thoracic dysplasia 7 with or without polydactyly. Last evaluated: 2026-02-01. Review status: criteria provided, single submitter. Criteria: Invitae Variant Classification Sherloc (09022015). Collection method: clinical testing. Allele origin: germline.

ARUP Laboratories, Molecular Genetics and Genomics, ARUP Laboratories
Classification: Benign. Last evaluated: 2025-07-02. Review status: criteria provided, single submitter. Criteria: ARUP Molecular Germline Variant Investigation Process 2024. Collection method: clinical testing. Allele origin: germline.

Blueprint Genetics
Classification: Benign. Last evaluated: 2024-11-26. Review status: criteria provided, single submitter. Criteria: ACMG Guidelines, 2015. Collection method: clinical testing. Allele origin: germline.

Mayo Clinic Laboratories, Mayo Clinic
Classification: Benign. Last evaluated: 2022-03-09. Review status: criteria provided, single submitter. Criteria: ACMG Guidelines, 2015. Collection method: clinical testing. Allele origin: germline. Observed: 18 variant alleles.

GeneDx
Classification: Benign. Last evaluated: 2018-08-31. Review status: criteria provided, single submitter. Criteria: GeneDx Variant Classification Process June 2021. Collection method: clinical testing. Allele origin: germline. Affected: yes.

Illumina Laboratory Services, Illumina
Classification: Benign for Short-rib thoracic dysplasia 7 with or without polydactyly. Last evaluated: 2018-01-13. Review status: criteria provided, single submitter. Criteria: ICSL Variant Classification Criteria 13 December 2019. Collection method: clinical testing. Allele origin: germline.
Comment: This variant was observed in the ICSL laboratory as part of a predisposition screen in an ostensibly healthy population. It had not been previously curated by ICSL or reported in the Human Gene Mutation Database (HGMD: prior to June 1st, 2018), and was therefore a candidate for classification through an automated scoring system. Utilizing variant allele frequency, disease prevalence and penetrance estimates, and inheritance mode, an automated score was calculated to assess if this variant is too frequent to cause the disease. Based on the score and internal cut-off values, a variant classified as benign is not then subjected to further curation. The score for this variant resulted in a classification of benign for this disease.

Illumina Laboratory Services, Illumina
Classification: Benign for Cranioectodermal dysplasia 2. Last evaluated: 2018-01-13. Review status: criteria provided, single submitter. Criteria: ICSL Variant Classification Criteria 13 December 2019. Collection method: clinical testing. Allele origin: germline.
Comment: the same text as in the submission from Illumina Laboratory Services, Illumina above.

Breakthrough Genomics
Classification: Benign. Review status: criteria provided, single submitter. Criteria: ACMG Guidelines, 2015. Collection method: not provided. Allele origin: germline. Inheritance: Autosomal recessive inheritance. Affected: yes.

Clinical Genetics DNA and cytogenetics Diagnostics Lab, Erasmus MC, Erasmus Medical Center
Classification: Benign. Review status: no assertion criteria provided. Collection method: clinical testing. Allele origin: germline. Affected: yes. Study: VKGL Data-share Consensus. Not counted in ClinVar's aggregate classification.

Joint Genome Diagnostic Labs from Nijmegen and Maastricht, Radboudumc and MUMC+
Classification: Benign. Review status: no assertion criteria provided. Collection method: clinical testing. Allele origin: germline. Affected: yes. Study: VKGL Data-share Consensus. Not counted in ClinVar's aggregate classification.